The following is an entry in ClinVar:

NM_015978.3(TNNI3K):c.2260G>A (p.Gly754Arg)

Genes: FPGT-TNNI3K (FPGT-TNNI3K readthrough; plus strand), LRRC53 (leucine rich repeat containing 53; minus strand), TNNI3K (TNNI3 interacting kinase; plus strand). Cytogenetic location: 1p31.1.
Variant type: single nucleotide variant.
Coding change: c.2260G>A on transcript NM_015978.3 (MANE Select); coding-DNA position 2260, G replaced by A.
Protein change: p.Gly754Arg; replaces glycine 754 with arginine.
Molecular consequence: missense variant. On other transcripts: intron variant (2).
Genome position (GRCh38, 1-based): chr1:74,492,175, G>A. VCF-style: chr1-74492175-G-A. GRCh37 (hg19) VCF-style: chr1-74957859-G-A.
Other names: c.2563G>A, p.Gly855Arg (NM_001112808.3); c.-8-11207C>T (NM_001364666.2); c.-26-8800C>T (NM_001382280.1); short protein forms G855R, G754R.
Identifiers: ClinVar variation 3010363 (VCV003010363.3), dbSNP rs201008753, ClinGen allele CA24566235.

ClinVar aggregate classification (germline): Uncertain significance (1 of 4 stars; one submission).

Allele frequency attached by ClinVar (database versions not stated): gnomAD 0.00001; TOPMed 0.00002; gnomAD exomes 0.00001.
gnomAD v4.1: 13 of 1,613,030 alleles (0.00081%); highest among the groups gnomAD compares: Non-Finnish European, 0.0011%; no homozygotes.

Submission:

Labcorp Genetics (formerly Invitae), Labcorp
Classification: Uncertain significance. Last evaluated: 2025-12-08. Review status: criteria provided, single submitter. Criteria: Invitae Variant Classification Sherloc (09022015). Collection method: clinical testing. Allele origin: germline.
Comment: This sequence change replaces glycine, which is neutral and non-polar, with arginine, which is basic and polar, at codon 754 of the TNNI3K protein (p.Gly754Arg). This variant is not present in population databases (gnomAD no frequency). This variant has not been reported in the literature in individuals affected with TNNI3K-related conditions. ClinVar contains an entry for this variant (Variation ID: 3010363). An algorithm developed to predict the effect of missense changes on protein structure and function (PolyPhen-2) suggests that this variant is likely to be tolerated. In summary, the available evidence is currently insufficient to determine the role of this variant in disease. Therefore, it has been classified as a Variant of Uncertain Significance.